The following is an entry in ClinVar:

ClinVar aggregate classification (germline): Uncertain significance (1 of 4 stars; one submission).

Conditions:
Arrhythmogenic cardiomyopathy with wooly hair and keratoderma. Also called: Arrhythmogenic cardiomyopathy with woolly hair and keratoderma; PALMOPLANTAR KERATODERMA WITH LEFT VENTRICULAR CARDIOMYOPATHY AND WOOLLY HAIR; Carvajal syndrome; Dilated cardiomyopathy with woolly hair and keratoderma. Identifiers: Orphanet 65282, MedGen C1854063, MONDO:0011581, OMIM 605676.
Arrhythmogenic right ventricular dysplasia 8 (ARVD8). Also called: ARRHYTHMOGENIC RIGHT VENTRICULAR DYSPLASIA, FAMILIAL, 8; ARRHYTHMOGENIC RIGHT VENTRICULAR CARDIOMYOPATHY 8; Arrhythmogenic Right Ventricular Dysplasia/Cardiomyopathy 8. Identifiers: MedGen C1843896, MONDO:0011831, OMIM 607450.

Submission:

Labcorp Genetics (formerly Invitae), Labcorp
Classification: Uncertain significance for Arrhythmogenic cardiomyopathy with wooly hair and keratoderma; Arrhythmogenic right ventricular dysplasia 8. Last evaluated: 2021-12-24. Review status: criteria provided, single submitter. Criteria: Invitae Variant Classification Sherloc (09022015). Collection method: clinical testing. Allele origin: germline.
Comment: This sequence change replaces glycine, which is neutral and non-polar, with valine, which is neutral and non-polar, at codon 2345 of the DSP protein (p.Gly2345Val). This variant is not present in population databases (gnomAD no frequency). This variant has not been reported in the literature in individuals affected with DSP-related conditions. Algorithms developed to predict the effect of missense changes on protein structure and function are either unavailable or do not agree on the potential impact of this missense change (SIFT: "Deleterious"; PolyPhen-2: "Probably Damaging"; Align-GVGD: "Class C15"). In summary, the available evidence is currently insufficient to determine the role of this variant in disease. Therefore, it has been classified as a Variant of Uncertain Significance.

NM_004415.4(DSP):c.7034G>T (p.Gly2345Val)

Gene: DSP (desmoplakin; plus strand). Cytogenetic location: 6p24.3.
Variant type: single nucleotide variant.
Coding change: c.7034G>T on transcript NM_004415.4 (MANE Select); coding-DNA position 7034, G replaced by T.
Protein change: p.Gly2345Val; replaces glycine 2345 with valine.
Molecular consequence: missense variant.
Genome position (GRCh38, 1-based): chr6:7,584,296, G>T. VCF-style: chr6-7584296-G-T. GRCh37 (hg19) VCF-style: chr6-7584529-G-T.
Other names: c.5237G>T, p.Gly1746Val (NM_001008844.3); c.5705G>T, p.Gly1902Val (NM_001319034.2); short protein forms G2345V, G1746V, G1902V.
Identifiers: ClinVar variation 2057017 (VCV002057017.4), dbSNP rs867781125, ClinGen allele CA362692086.
Genomic context (GRCh38, chr6:7,584,296, plus strand): 5'-TCAAAGAGAAGCTCCTGTCTGCAGAACGAGCTGTCACTGGGTATAATGATCCTGAAACAG[G>T]AAACATCATCTCTTTGTTCCAAGCCATGAATAAGGAACTCATCGAAAAGGGCCACGGTAT-3'
Protein context (NP_004406.2, residues 2335-2355): AVTGYNDPET[Gly2345Val]NIISLFQAMN